The following is an entry in ClinVar:

NM_001356.5(DDX3X):c.979C>G (p.Leu327Val)

Gene: DDX3X (DEAD-box helicase 3 X-linked; plus strand). Cytogenetic location: Xp11.4.
Variant type: single nucleotide variant.
Coding change: c.979C>G on transcript NM_001356.5 (MANE Select); coding-DNA position 979, C replaced by G.
Protein change: p.Leu327Val; replaces leucine 327 with valine.
Molecular consequence: missense variant. On other transcripts: non-coding transcript variant (1).
Genome position (GRCh38, 1-based): chrX:41,344,353, C>G. VCF-style: chrX-41344353-C-G. GRCh37 (hg19) VCF-style: chrX-41203606-C-G.
Other names: c.979C>G, p.Leu327Val (NM_001193416.3); c.931C>G, p.Leu311Val (NM_001193417.3); c.421C>G, p.Leu141Val (NM_001363819.1); short protein forms L327V, L141V, L311V.
Identifiers: ClinVar variation 452135 (VCV000452135.4), dbSNP rs1555953550, ClinGen allele CA412771091.

ClinVar aggregate classification (germline): Likely pathogenic (1 of 4 stars; one submission).

Submission:

GeneDx
Classification: Likely pathogenic. Last evaluated: 2020-10-02. Review status: criteria provided, single submitter. Criteria: GeneDx Variant Classification Process June 2021. Collection method: clinical testing. Allele origin: germline. Affected: yes.
Comment: Not observed in large population cohorts (Lek et al., 2016); In silico analysis supports that this missense variant has a deleterious effect on protein structure/function; Has not been previously published as pathogenic or benign to our knowledge